The following is an entry in ClinVar:

NM_012330.4(KAT6B):c.257del (p.Gly86fs)

Gene: KAT6B (lysine acetyltransferase 6B; plus strand). Cytogenetic location: 10q22.2.
Variant type: Deletion.
Coding change: c.257del on transcript NM_012330.4 (MANE Select); coding-DNA position 257, one base deleted (G; older notation c.257delG).
Protein change: p.Gly86fs; shifts the reading frame from glycine 86.
Molecular consequence: frameshift variant. On other transcripts: 5 prime UTR variant (2).
Genome position (GRCh38, 1-based): chr10:74,843,114, G deleted; the last of 2 consecutive G bases (chr10:74,843,113-74,843,114); deleting either gives the same sequence. VCF-style (leftmost placement, unchanged base first): chr10-74843112-AG-A. GRCh37 (hg19) VCF-style: chr10-76602870-AG-A.
Other names: c.257del, p.Gly86fs (NM_001256468.2, NM_001256469.2, NM_001370132.1 and 10 more transcripts); c.-282del (NM_001370134.1, NM_001370135.1); short protein forms G86fs.
Identifiers: ClinVar variation 265697 (VCV000265697.2), dbSNP rs886039742, ClinGen allele CA10588479.

ClinVar aggregate classification (germline): Pathogenic (1 of 4 stars; one submission).

Submission:

GeneDx
Classification: Pathogenic. Last evaluated: 2016-08-23. Review status: criteria provided, single submitter. Criteria: GeneDx Variant Classification (06012015). Collection method: clinical testing. Allele origin: germline. Affected: yes.
Comment: The c.257delG pathogenic variant in the KAT6B gene causes a frameshift starting with codon Glycine 86, changes this amino acid to a Alanine residue and creates a premature Stop codon at position 26 of the new reading frame, denoted p.G86AfsX26. This variant is predicted to cause loss of normal protein function either through protein truncation or nonsense-mediated mRNA decay. It was not observed in approximately 6,500 individuals of European and African American ancestry in the NHLBI Exome Sequencing Project, indicating it is not a common benign variant in these populations. Additionally, may other frameshift and loss-of-function variants have been reported in the Human Gene Mutation Database in association with KAT6B-related disorders (Stenson et al., 2014).